The following is an entry in ClinVar:

ClinVar aggregate classification (germline): Uncertain significance (1 of 4 stars; one submission).

Conditions:
DICER1-related tumor predisposition. Also called: DICER1-related pleuropulmonary blastoma cancer predisposition syndrome; DICER1 syndrome. Identifiers: Orphanet 284343, MedGen C3839822, MONDO:0100216.

Submission:

Labcorp Genetics (formerly Invitae), Labcorp
Classification: Uncertain significance for DICER1-related tumor predisposition. Last evaluated: 2024-04-02. Review status: criteria provided, single submitter. Criteria: Invitae Variant Classification Sherloc (09022015). Collection method: clinical testing. Allele origin: germline.
Comment: This sequence change replaces isoleucine, which is neutral and non-polar, with threonine, which is neutral and polar, at codon 705 of the DICER1 protein (p.Ile705Thr). This variant is not present in population databases (gnomAD no frequency). This variant has not been reported in the literature in individuals affected with DICER1-related conditions. An algorithm developed to predict the effect of missense changes on protein structure and function (PolyPhen-2) suggests that this variant is likely to be disruptive. In summary, the available evidence is currently insufficient to determine the role of this variant in disease. Therefore, it has been classified as a Variant of Uncertain Significance.

NM_177438.3(DICER1):c.2114T>C (p.Ile705Thr)

Gene: DICER1 (dicer 1, ribonuclease III; minus strand). Cytogenetic location: 14q32.13.
Variant type: single nucleotide variant.
Coding change: c.2114T>C on transcript NM_177438.3 (MANE Select); coding-DNA position 2114, T replaced by C.
Protein change: p.Ile705Thr; replaces isoleucine 705 with threonine.
Molecular consequence: missense variant. On other transcripts: non-coding transcript variant (6).
Genome position (GRCh38, 1-based): chr14:95,112,174, A>G on the plus strand (T>C on the coding strand, the complement: DICER1 is on the minus strand). VCF-style: chr14-95112174-A-G. GRCh37 (hg19) VCF-style: chr14-95578511-A-G.
Other names: c.2114T>C, p.Ile705Thr (NM_001291628.2, NM_001395677.1, NM_001395678.1 and 12 more transcripts); c.1832T>C, p.Ile611Thr (NM_001395686.1); c.1709T>C, p.Ile570Thr (NM_001395687.1, NM_001395688.1, NM_001395689.1 and 3 more transcripts); c.1547T>C, p.Ile516Thr (NM_001395691.1); c.431T>C, p.Ile144Thr (NM_001395697.1); short protein forms I705T, I611T, I144T, I516T, I570T.
Identifiers: ClinVar variation 3694212 (VCV003694212.2).